The following is an entry in ClinVar:

ClinVar aggregate classification (germline): Likely benign. Review status: reviewed by expert panel (3 of 4 stars). 3 submissions from 3 submitters: Likely benign (1). 2 of the submissions do not count toward it. Last evaluated 2017-06-29.

Conditions:
Breast-ovarian cancer, familial, susceptibility to, 2 (BROVCA2). Also called: BRCA2 Hereditary Breast and Ovarian Cancer. Identifiers: Orphanet 145, MedGen C2675520, MONDO:0012933, OMIM 612555. Disease mechanism: loss of function.
Hereditary cancer-predisposing syndrome. Also called: Hereditary neoplastic syndrome; Tumor predisposition; Neoplastic Syndromes, Hereditary; Hereditary Cancer Syndrome. Identifiers: Orphanet 140162, MedGen C0027672, MeSH D009386, MONDO:0015356.

Allele frequency attached by ClinVar (database versions not stated): gnomAD exomes below 0.00001; ExAC 0.00001.
gnomAD v4.1: 1 of 1,613,704 alleles (0.000062%); highest among the groups gnomAD compares: South Asian, 0.0011%; no homozygotes.

Submissions (3):

Evidence-based Network for the Interpretation of Germline Mutant Alleles (ENIGMA)
Classification: Likely benign for Breast-ovarian cancer, familial, susceptibility to, 2. Last evaluated: 2017-06-29. Review status: reviewed by expert panel. Criteria: ENIGMA BRCA1/2 Classification Criteria (2017-06-29). Collection method: curation. Allele origin: germline.
Comment: Synonymous substitution variant, with low bioinformatic likelihood to result in a splicing aberration (Splicing prior probability 0.02).

Ambry Genetics
Classification: Likely benign for Hereditary cancer-predisposing syndrome. Last evaluated: 2025-06-24. Review status: criteria provided, single submitter. Criteria: Ambry Variant Classification Scheme 2023. Collection method: clinical testing. Allele origin: germline. Not counted in ClinVar's aggregate classification.

Women's Health and Genetics/Laboratory Corporation of America, LabCorp
Classification: Likely benign. Last evaluated: 2019-10-19. Review status: criteria provided, single submitter. Criteria: LabCorp Variant Classification Summary - May 2015. Collection method: clinical testing. Allele origin: germline. Not counted in ClinVar's aggregate classification.

NM_000059.4(BRCA2):c.8877A>G (p.Glu2959=)

Gene: BRCA2 (BRCA2 DNA repair associated; plus strand). Cytogenetic location: 13q13.1.
Variant type: single nucleotide variant.
Coding change: c.8877A>G on transcript NM_000059.4 (MANE Select); coding-DNA position 8877, A replaced by G.
Protein change: p.Glu2959=; no amino-acid change (glutamic acid 2959 retained).
Molecular consequence: synonymous variant.
Genome position (GRCh38, 1-based): chr13:32,379,439, A>G. VCF-style: chr13-32379439-A-G. GRCh37 (hg19) VCF-style: chr13-32953576-A-G.
Identifiers: ClinVar variation 427550 (VCV000427550.5), dbSNP rs751396548, ClinGen allele CA6941307.